The following is an entry in ClinVar:

NM_000044.6(AR):c.2148_2150del (p.Val717del)

Gene: AR (androgen receptor; plus strand). Cytogenetic location: Xq12.
Variant type: Deletion.
Coding change: c.2148_2150del on transcript NM_000044.6 (MANE Select); coding-DNA positions 2148 to 2150, 3 bases deleted (GGT; older notation c.2148_2150delGGT).
Protein change: p.Val717del; deletes valine 717.
Molecular consequence: inframe deletion.
Genome position (GRCh38, 1-based): chrX:67,711,664-67,711,666, GGT deleted; deleting any 3 consecutive bases within chrX:67,711,662-67,711,666 gives the same sequence; the c. name uses the placement nearest the transcript's 3' end. VCF-style (leftmost placement, unchanged base first): chrX-67711661-CGTG-C. GRCh37 (hg19) VCF-style: chrX-66931503-CGTG-C.
Other names: c.552_554del, p.Val185del (NM_001011645.3); short protein forms V185del, V717del.
Identifiers: ClinVar variation 3755782 (VCV003755782.2).

ClinVar aggregate classification (germline): Uncertain significance (1 of 4 stars; one submission).

Conditions:
Kennedy disease (SMAX1). Also called: SPINAL AND BULBAR MUSCULAR ATROPHY, X-LINKED 1; KENNEDY SPINAL AND BULBAR MUSCULAR ATROPHY; Spinal and Bulbar Muscular Atrophy. Identifiers: Orphanet 481, MedGen C1839259, MONDO:0010735, OMIM 313200.
Androgen resistance syndrome (AIS). Also called: ANDROGEN RECEPTOR DEFICIENCY; DIHYDROTESTOSTERONE RECEPTOR DEFICIENCY; TESTICULAR FEMINIZATION SYNDROME; Androgen insensitivity syndrome; Androgen insensitivity; DHTR DEFICIENCY. Identifiers: Orphanet 754, Orphanet 99429, MedGen C0039585, MONDO:0019154, OMIM 300068. Disease mechanism: loss of function.

Submission:

Labcorp Genetics (formerly Invitae), Labcorp
Classification: Uncertain significance for Kennedy disease; Androgen resistance syndrome. Last evaluated: 2025-01-22. Review status: criteria provided, single submitter. Criteria: Invitae Variant Classification Sherloc (09022015). Collection method: clinical testing. Allele origin: germline.
Comment: This variant, c.2148_2150del, results in the deletion of 1 amino acid(s) of the AR protein (p.Val717del), but otherwise preserves the integrity of the reading frame. This variant is not present in population databases (gnomAD no frequency). This variant has not been reported in the literature in individuals affected with AR-related conditions. Experimental studies and prediction algorithms are not available or were not evaluated, and the functional significance of this variant is currently unknown. In summary, the available evidence is currently insufficient to determine the role of this variant in disease. Therefore, it has been classified as a Variant of Uncertain Significance.